The following is an entry in ClinVar:

ClinVar aggregate classification (germline): Pathogenic/Likely pathogenic. Review status: criteria provided, multiple submitters, no conflicts (2 of 4 stars). 6 submissions from 6 submitters: Pathogenic (3); Likely pathogenic (3). Last evaluated 2025-03-10.

Conditions:
Familial hypokalemia-hypomagnesemia (GTLMNS). Also called: gitelman syndrome; HYPOMAGNESEMIA-HYPOKALEMIA, PRIMARY RENOTUBULAR, WITH HYPOCALCIURIA; POTASSIUM AND MAGNESIUM DEPLETION. Identifiers: Orphanet 358, MedGen C0268450, MONDO:0009904, OMIM 263800.
SLC12A3-related disorder. Also called: SLC12A3-related condition.

Allele frequency attached by ClinVar (database versions not stated): ExAC 0.00001; gnomAD exomes 0.00001.
gnomAD v4.1: 7 of 1,613,942 alleles (0.00043%); highest among the groups gnomAD compares: South Asian, 0.0011%; no homozygotes.

Submissions (6):

Natera, Inc.
Classification: Pathogenic for Gitelman syndrome. Last evaluated: 2025-03-10. Review status: criteria provided, single submitter. Criteria: Natera Variant Classification Schema (03/2026). Collection method: clinical testing. Allele origin: germline.
Comment: The c.2582G>A variant in SLC12A3 is a missense variant predicted to cause substitution of arginine to histidine at amino acid 861. This variant is rare in the general population with a frequency below the threshold expected for the associated phenotype(s). This variant has been observed in one or more individuals affected with the associated recessive disease, as either homozygous or compound heterozygous with a second variant (PMID: 37327293, 32542819, 21415153). A different variant at the same position has been determined to be Pathogenic or Likely Pathogenic. Given the available evidence, this variant is classified as Pathogenic.

Fulgent Genetics
Classification: Likely pathogenic for Familial hypokalemia-hypomagnesemia. Last evaluated: 2024-01-25. Review status: criteria provided, single submitter. Criteria: ACMG Guidelines, 2015. Collection method: clinical testing. Allele origin: germline.

Labcorp Genetics (formerly Invitae), Labcorp
Classification: Pathogenic. Last evaluated: 2023-12-20. Review status: criteria provided, single submitter. Criteria: Invitae Variant Classification Sherloc (09022015). Collection method: clinical testing. Allele origin: germline.
Comment: This sequence change replaces arginine, which is basic and polar, with histidine, which is basic and polar, at codon 861 of the SLC12A3 protein (p.Arg861His). This variant is present in population databases (rs751929135, gnomAD 0.003%). This missense change has been observed in individual(s) with Gitelman syndrome (PMID: 17873326, 31363482, 33348466). In at least one individual the data is consistent with being in trans (on the opposite chromosome) from a pathogenic variant. This variant is also known as p.Arg852His. ClinVar contains an entry for this variant (Variation ID: 1458237). Advanced modeling of protein sequence and biophysical properties (such as structural, functional, and spatial information, amino acid conservation, physicochemical variation, residue mobility, and thermodynamic stability) has been performed at Invitae for this missense variant, however the output from this modeling did not meet the statistical confidence thresholds required to predict the impact of this variant on SLC12A3 protein function. This variant disrupts the p.Arg861 amino acid residue in SLC12A3. Other variant(s) that disrupt this residue have been determined to be pathogenic (PMID: 21415153, 23328711, 27582097, 27872838). This suggests that this residue is clinically significant, and that variants that disrupt this residue are likely to be disease-causing. For these reasons, this variant has been classified as Pathogenic.

Women's Health and Genetics/Laboratory Corporation of America, LabCorp
Classification: Likely pathogenic for Familial hypokalemia-hypomagnesemia. Last evaluated: 2023-04-26. Review status: criteria provided, single submitter. Criteria: LabCorp Variant Classification Summary - May 2015. Collection method: clinical testing. Allele origin: germline.
Comment: Variant summary: SLC12A3 c.2582G>A (p.Arg861His) results in a non-conservative amino acid change located in the C-terminal domain (IPR018491) of the encoded protein sequence. Three of five in-silico tools predict a damaging effect of the variant on protein function. The variant allele was found at a frequency of 8e-06 in 251076 control chromosomes. The available data on variant occurrences in the general population are insufficient to allow any conclusion about variant significance. c.2582G>A has been reported in the literature in both compound heterozygous and homozygous individuals affected with Familial Hypokalemia-Hypomagnesemia (e.g., Aoi_2007, Want_2019, Zhang_2020, Mori_2021). These data indicate that the variant is likely to be associated with disease. To our knowledge, no experimental evidence demonstrating an impact on protein function has been reported. The following publications have been ascertained in the context of this evaluation (PMID: 17873326, 33348466, 31363482, 32542819). One clinical diagnostic laboratory has submitted clinical-significance assessments for this variant to ClinVar after 2014 and classified the variant as pathogenic. Additionally, different missense variants affecting the same codon, p.R861C and p.R861S, have been reported in association with Gitelman syndrome in HGMD, and p.R861C was classified as pathogenic in ClinVar. Based on the evidence outlined above, the variant was classified as likely pathogenic.

Blueprint Genetics
Classification: Pathogenic for SLC12A3-related disorders. Last evaluated: 2023-04-18. Review status: criteria provided, single submitter. Criteria: ACMG Guidelines, 2015. Collection method: clinical testing. Allele origin: germline. Affected: yes. Observed: 5 variant alleles.

Juno Genomics, Hangzhou Juno Genomics, Inc
Classification: Likely pathogenic for Familial hypokalemia-hypomagnesemia. Review status: criteria provided, single submitter. Criteria: ACMG Guidelines, 2015. Collection method: clinical testing. Allele origin: germline.
Comment: Absent from controls (or at extremely low frequency if recessive) in Genome Aggregation Database.;Multiple lines of computational evidence support a deleterious effect on the gene or gene product.;For recessive disorders, detected in trans with a pathogenic variant.;Patient's phenotype or family history is highly specific for a disease with a single genetic etiology.

Literature cited by the submitters: PubMed 37327293 (cited by Natera, Inc.); PubMed 32542819 (cited by Natera, Inc. and Women's Health and Genetics/Laboratory Corporation of America, LabCorp); PubMed 21415153 (cited by Natera, Inc. and Labcorp Genetics (formerly Invitae), Labcorp); PubMed 17873326 (cited by Labcorp Genetics (formerly Invitae), Labcorp and Women's Health and Genetics/Laboratory Corporation of America, LabCorp); PubMed 31363482 (cited by Labcorp Genetics (formerly Invitae), Labcorp and Women's Health and Genetics/Laboratory Corporation of America, LabCorp); PubMed 33348466 (cited by Labcorp Genetics (formerly Invitae), Labcorp and Women's Health and Genetics/Laboratory Corporation of America, LabCorp); PubMed 23328711 (cited by Labcorp Genetics (formerly Invitae), Labcorp); PubMed 27582097 (cited by Labcorp Genetics (formerly Invitae), Labcorp); PubMed 27872838 (cited by Labcorp Genetics (formerly Invitae), Labcorp).

NM_001126108.2(SLC12A3):c.2555G>A (p.Arg852His)

Gene: SLC12A3 (solute carrier family 12 member 3; plus strand). Cytogenetic location: 16q13.
Variant type: single nucleotide variant.
Coding change: c.2555G>A on transcript NM_001126108.2 (MANE Select); coding-DNA position 2555, G replaced by A.
Protein change: p.Arg852His; replaces arginine 852 with histidine.
Molecular consequence: missense variant.
Genome position (GRCh38, 1-based): chr16:56,894,564, G>A. VCF-style: chr16-56894564-G-A. GRCh37 (hg19) VCF-style: chr16-56928476-G-A.
Other names: c.2582G>A, p.Arg861His (NM_000339.3); c.2579G>A, p.Arg860His (NM_001126107.2); c.2582G>A (NM_000339.2); short protein forms R861H, R852H, R860H.
Identifiers: ClinVar variation 1458237 (VCV001458237.13), dbSNP rs751929135, ClinGen allele CA8069967.
Genomic context (GRCh38, chr16:56,894,564, plus strand): 5'-ATGACTCACGGGGACTCTCCTTGCCAGGCCTCACCCTCCTCATTCCCTATCTCCTTGGCC[G>A]CAAGAGGAGGTGGAGCAAATGCAAGATCCGTGTGTTCGTAGGCGGCCAGATTAACAGGAT-3'
Protein context (NP_001119580.2, residues 842-862): LTLLIPYLLG[Arg852His]KRRWSKCKIR